The following is an entry in ClinVar:

NM_000051.4(ATM):c.2797T>C (p.Ser933Pro)

Gene: ATM (ATM serine/threonine kinase; plus strand). Cytogenetic location: 11q22.3.
Variant type: single nucleotide variant.
Coding change: c.2797T>C on transcript NM_000051.4 (MANE Select); coding-DNA position 2797, T replaced by C.
Protein change: p.Ser933Pro; replaces serine 933 with proline.
Molecular consequence: missense variant.
Genome position (GRCh38, 1-based): chr11:108,268,568, T>C. VCF-style: chr11-108268568-T-C. GRCh37 (hg19) VCF-style: chr11-108139295-T-C.
Other names: c.2797T>C, p.Ser933Pro (NM_001351834.2); short protein forms S933P.
Identifiers: ClinVar variation 1796104 (VCV001796104.7), dbSNP rs1060501698, ClinGen allele CA382545648.

ClinVar aggregate classification (germline): Uncertain significance. Review status: criteria provided, multiple submitters, no conflicts (2 of 4 stars). 2 submissions from 2 submitters: Uncertain significance (2). Last evaluated 2022-07-17.

Conditions:
Hereditary cancer-predisposing syndrome. Also called: Neoplastic Syndromes, Hereditary; Tumor predisposition; Hereditary neoplastic syndrome; Hereditary Cancer Syndrome. Identifiers: Orphanet 140162, MedGen C0027672, MeSH D009386, MONDO:0015356.
Ataxia-telangiectasia syndrome (AT). Also called: Ataxia-telangiectasia, complementation group D; AT, COMPLEMENTATION GROUP C; ATAXIA-TELANGIECTASIA, COMPLEMENTATION GROUP A; ATAXIA-TELANGIECTASIA, FRESNO VARIANT; Ataxia-telangiectasia; LOUIS-BAR SYNDROME. Identifiers: Orphanet 100, MedGen C0004135, MONDO:0008840, OMIM 208900.

Submissions (2):

Ambry Genetics
Classification: Uncertain significance for Hereditary cancer-predisposing syndrome. Last evaluated: 2022-07-17. Review status: criteria provided, single submitter. Criteria: Ambry Variant Classification Scheme 2023. Collection method: clinical testing. Allele origin: germline.
Comment: The p.S933P variant (also known as c.2797T>C), located in coding exon 17 of the ATM gene, results from a T to C substitution at nucleotide position 2797. The serine at codon 933 is replaced by proline, an amino acid with similar properties. This amino acid position is conserved. In addition, this alteration is predicted to be tolerated by in silico analysis. Since supporting evidence is limited at this time, the clinical significance of this alteration remains unclear.

Labcorp Genetics (formerly Invitae), Labcorp
Classification: Uncertain significance for Ataxia-telangiectasia syndrome. Last evaluated: 2022-07-08. Review status: criteria provided, single submitter. Criteria: Invitae Variant Classification Sherloc (09022015). Collection method: clinical testing. Allele origin: germline.
Comment: This sequence change replaces serine, which is neutral and polar, with proline, which is neutral and non-polar, at codon 933 of the ATM protein (p.Ser933Pro). This variant is not present in population databases (gnomAD no frequency). This variant has not been reported in the literature in individuals affected with ATM-related conditions. Advanced modeling of protein sequence and biophysical properties (such as structural, functional, and spatial information, amino acid conservation, physicochemical variation, residue mobility, and thermodynamic stability) performed at Invitae indicates that this missense variant is not expected to disrupt ATM protein function. In summary, the available evidence is currently insufficient to determine the role of this variant in disease. Therefore, it has been classified as a Variant of Uncertain Significance.